The following is an entry in ClinVar:

ClinVar aggregate classification (germline): Conflicting classifications of pathogenicity. Review status: criteria provided, conflicting classifications (1 of 4 stars). 2 submissions from 2 submitters: Uncertain significance (1); Likely benign (1). Last evaluated 2025-07-01.

Conditions:
Rubinstein-Taybi syndrome due to EP300 haploinsufficiency. Also called: RUBINSTEIN-TAYBI SYNDROME 2; EP300-Related Rubinstein-Taybi Syndrome. Identifiers: Orphanet 353284, Orphanet 783, MedGen C3150941, MONDO:0013364, OMIM 613684.

Allele frequency attached by ClinVar (database versions not stated): TOPMed 0.00001.
gnomAD v4.1: 2 of 1,613,708 alleles (0.00012%); highest among the groups gnomAD compares: African/African-American, 0.0013%; no homozygotes.

Submissions (2):

CeGaT Center for Human Genetics Tuebingen
Classification: Likely benign. Last evaluated: 2025-07-01. Review status: criteria provided, single submitter. Criteria: CeGaT Center For Human Genetics Tuebingen Variant Classification Criteria Version 2. Collection method: clinical testing. Allele origin: germline. Affected: yes. Observed: 1 variant allele.
Comment: EP300: BP4

Labcorp Genetics (formerly Invitae), Labcorp
Classification: Uncertain significance for Rubinstein-Taybi syndrome due to EP300 haploinsufficiency. Last evaluated: 2023-08-02. Review status: criteria provided, single submitter. Criteria: Invitae Variant Classification Sherloc (09022015). Collection method: clinical testing. Allele origin: germline.
Comment: This variant is not present in population databases (gnomAD no frequency). This sequence change replaces asparagine, which is neutral and polar, with isoleucine, which is neutral and non-polar, at codon 760 of the EP300 protein (p.Asn760Ile). This variant has not been reported in the literature in individuals affected with EP300-related conditions. Advanced modeling of protein sequence and biophysical properties (such as structural, functional, and spatial information, amino acid conservation, physicochemical variation, residue mobility, and thermodynamic stability) performed at Invitae indicates that this missense variant is not expected to disrupt EP300 protein function. In summary, the available evidence is currently insufficient to determine the role of this variant in disease. Therefore, it has been classified as a Variant of Uncertain Significance.

NM_001429.4(EP300):c.2279A>T (p.Asn760Ile)

Gene: EP300 (EP300 lysine acetyltransferase; plus strand). Cytogenetic location: 22q13.2.
Variant type: single nucleotide variant.
Coding change: c.2279A>T on transcript NM_001429.4 (MANE Select); coding-DNA position 2279, A replaced by T.
Protein change: p.Asn760Ile; replaces asparagine 760 with isoleucine.
Molecular consequence: missense variant.
Genome position (GRCh38, 1-based): chr22:41,149,075, A>T. VCF-style: chr22-41149075-A-T. GRCh37 (hg19) VCF-style: chr22-41545079-A-T.
Other names: c.2201A>T, p.Asn734Ile (NM_001362843.2); short protein forms N734I, N760I.
Identifiers: ClinVar variation 2894444 (VCV002894444.10), dbSNP rs374502005, ClinGen allele CA324535664.
Genomic context (GRCh38, chr22:41,149,075, plus strand): 5'-TTTGTGTTTTTTTTTTTTTTCAGCCTATGGGCTATGGGCCTCGTATGCAACAGCCTTCCA[A>T]CCAGGGCCAGTTCCTTCCTCAGACTCAGTTCCCATCACAGGGAATGAATGTAACAAATAT-3'
Protein context (NP_001420.2, residues 750-770): GYGPRMQQPS[Asn760Ile]QGQFLPQTQF